The following is an entry in ClinVar:

ClinVar aggregate classification (germline): Uncertain significance (1 of 4 stars; one submission).

Conditions:
Cardiovascular phenotype. Identifiers: MedGen CN230736.

Submission:

Ambry Genetics
Classification: Uncertain significance for Cardiovascular phenotype. Last evaluated: 2025-03-23. Review status: criteria provided, single submitter. Criteria: Ambry Variant Classification Scheme 2023. Collection method: clinical testing. Allele origin: germline.
Comment: The p.H545Y variant (also known as c.1633C>T), located in coding exon 9 of the MYPN gene, results from a C to T substitution at nucleotide position 1633. The histidine at codon 545 is replaced by tyrosine, an amino acid with similar properties. This amino acid position is conserved. In addition, this alteration is predicted to be tolerated by in silico analysis. Based on the available evidence, the clinical significance of this variant remains unclear.

NM_032578.4(MYPN):c.1633C>T (p.His545Tyr)

Gene: MYPN (myopalladin; plus strand). Cytogenetic location: 10q21.3.
Variant type: single nucleotide variant.
Coding change: c.1633C>T on transcript NM_032578.4 (MANE Select); coding-DNA position 1633, C replaced by T.
Protein change: p.His545Tyr; replaces histidine 545 with tyrosine.
Molecular consequence: missense variant. On other transcripts: non-coding transcript variant (2).
Genome position (GRCh38, 1-based): chr10:68,166,326, C>T. VCF-style: chr10-68166326-C-T. GRCh37 (hg19) VCF-style: chr10-69926083-C-T.
Other names: c.1633C>T, p.His545Tyr (NM_001256267.2); c.751C>T, p.His251Tyr (NM_001256268.2); short protein forms H545Y, H251Y.
Identifiers: ClinVar variation 3916683 (VCV003916683.1).